The following is an entry in ClinVar:

ClinVar aggregate classification (germline): Uncertain significance. Review status: criteria provided, multiple submitters, no conflicts (2 of 4 stars). 3 submissions from 3 submitters: Uncertain significance (3). Last evaluated 2025-01-06.

Conditions:
DOCK2 deficiency. Also called: Immunodeficiency 40. Identifiers: Orphanet 447737, MedGen C4225328, MONDO:0014637, OMIM 616433.

Allele frequency attached by ClinVar (database versions not stated): ExAC 0.00005; gnomAD 0.00005; gnomAD exomes 0.00005 and 0.00006; TOPMed 0.00005.
gnomAD v4.1: 95 of 1,613,868 alleles (0.0059%); highest among the groups gnomAD compares: Non-Finnish European, 0.0079%; no homozygotes.

Submissions (3):

Labcorp Genetics (formerly Invitae), Labcorp
Classification: Uncertain significance for DOCK2 deficiency. Last evaluated: 2025-01-06. Review status: criteria provided, single submitter. Criteria: Invitae Variant Classification Sherloc (09022015). Collection method: clinical testing. Allele origin: germline.
Comment: This sequence change replaces tyrosine, which is neutral and polar, with histidine, which is basic and polar, at codon 476 of the DOCK2 protein (p.Tyr476His). This variant is present in population databases (rs769211157, gnomAD 0.01%). This variant has not been reported in the literature in individuals affected with DOCK2-related conditions. ClinVar contains an entry for this variant (Variation ID: 542607). An algorithm developed to predict the effect of missense changes on protein structure and function (PolyPhen-2) suggests that this variant is likely to be disruptive. In summary, the available evidence is currently insufficient to determine the role of this variant in disease. Therefore, it has been classified as a Variant of Uncertain Significance.

Blueprint Genetics
Classification: Uncertain significance. Last evaluated: 2024-11-15. Review status: criteria provided, single submitter. Criteria: ACMG Guidelines, 2015. Collection method: clinical testing. Allele origin: germline.

Institute of Human Genetics, University of Leipzig Medical Center
Classification: Uncertain significance for DOCK2 deficiency. Last evaluated: 2019-01-01. Review status: criteria provided, single submitter. Criteria: ACMG Guidelines, 2015. Collection method: clinical testing. Allele origin: unknown. Affected: yes.

NM_004946.3(DOCK2):c.1426T>C (p.Tyr476His)

Gene: DOCK2 (dedicator of cytokinesis 2; plus strand). Cytogenetic location: 5q35.1.
Variant type: single nucleotide variant.
Coding change: c.1426T>C on transcript NM_004946.3 (MANE Select); coding-DNA position 1426, T replaced by C.
Protein change: p.Tyr476His; replaces tyrosine 476 with histidine.
Molecular consequence: missense variant. On other transcripts: non-coding transcript variant (1).
Genome position (GRCh38, 1-based): chr5:169,708,211, T>C. VCF-style: chr5-169708211-T-C. GRCh37 (hg19) VCF-style: chr5-169135215-T-C.
Other names: c.1426T>C, p.Tyr476His (LRG_1227t1); short protein forms Y476H.
Identifiers: ClinVar variation 542607 (VCV000542607.9), dbSNP rs769211157, ClinGen allele CA3553464.